The following is an entry in ClinVar:

NM_000059.4(BRCA2):c.4845_4846del (p.Leu1616fs)

Gene: BRCA2 (BRCA2 DNA repair associated; plus strand). Cytogenetic location: 13q13.1.
Variant type: Microsatellite.
Coding change: c.4845_4846del on transcript NM_000059.4 (MANE Select); coding-DNA positions 4845 to 4846, 2 bases deleted (CT; older notation c.4845_4846delCT).
Protein change: p.Leu1616fs; shifts the reading frame from leucine 1616.
Molecular consequence: frameshift variant.
Genome position (GRCh38, 1-based): chr13:32,339,200-32,339,201, CT deleted; deleting any 2 consecutive bases within chr13:32,339,198-32,339,201 gives the same sequence; the c. name uses the placement nearest the transcript's 3' end. VCF-style (leftmost placement, unchanged base first): chr13-32339197-GCT-G. GRCh37 (hg19) VCF-style: chr13-32913334-GCT-G.
Other names: 5073delCT; c.4845_4846delCT (NM_000059.3); short protein forms L1616fs.
Identifiers: ClinVar variation 51725 (VCV000051725.4), dbSNP rs80359469, ClinGen allele CA020899.
Genomic context (GRCh38, chr13:32,339,197, plus strand): 5'-GCAGAATTCTCTCAATAATGATAAAAACCTTGTTTCTATTGAGACTGTGGTGCCACCTAA[GCT>G]CTTAAGTGATAATTTATGTAGACAAACTGAAAATCTCAAAACATCAAAAAGTATCTTTTT-3'

ClinVar aggregate classification (germline): Pathogenic. Review status: reviewed by expert panel (3 of 4 stars). 2 submissions from 2 submitters: Pathogenic (1). 1 of the submissions does not count toward it. Last evaluated 2016-09-08.

Conditions:
Breast-ovarian cancer, familial, susceptibility to, 2 (BROVCA2). Also called: BRCA2 Hereditary Breast and Ovarian Cancer. Identifiers: Orphanet 145, MedGen C2675520, MONDO:0012933, OMIM 612555. Disease mechanism: loss of function.

Submissions (2):

Evidence-based Network for the Interpretation of Germline Mutant Alleles (ENIGMA)
Classification: Pathogenic for Breast-ovarian cancer, familial, susceptibility to, 2. Last evaluated: 2016-09-08. Review status: reviewed by expert panel. Criteria: ENIGMA BRCA1/2 Classification Criteria (2015). Collection method: curation. Allele origin: germline.
Comment: Variant allele predicted to encode a truncated non-functional protein.

Breast Cancer Information Core (BIC) (BRCA2)
Classification: Pathogenic for Breast-ovarian cancer, familial 2. Last evaluated: 2005-09-27. Review status: no assertion criteria provided. Collection method: clinical testing. Allele origin: germline. Affected: yes. Observed: 1 variant allele. Not counted in ClinVar's aggregate classification.

Literature cited by the submitters: PubMed 11748848 (cited by Breast Cancer Information Core (BIC) (BRCA2)).